The following is an entry in ClinVar:

ClinVar aggregate classification (germline): Uncertain significance (1 of 4 stars; one submission).

Submission:

Labcorp Genetics (formerly Invitae), Labcorp
Classification: Uncertain significance. Last evaluated: 2024-10-30. Review status: criteria provided, single submitter. Criteria: Invitae Variant Classification Sherloc (09022015). Collection method: clinical testing. Allele origin: germline.
Comment: This sequence change replaces aspartic acid, which is acidic and polar, with glycine, which is neutral and non-polar, at codon 193 of the RNF31 protein (p.Asp193Gly). This variant is not present in population databases (gnomAD no frequency). This variant has not been reported in the literature in individuals affected with RNF31-related conditions. An algorithm developed to predict the effect of missense changes on protein structure and function outputs the following: PolyPhen-2: "Benign". The glycine amino acid residue is found in multiple mammalian species, which suggests that this missense change does not adversely affect protein function. In summary, the available evidence is currently insufficient to determine the role of this variant in disease. Therefore, it has been classified as a Variant of Uncertain Significance.

NM_017999.5(RNF31):c.578A>G (p.Asp193Gly)

Gene: RNF31 (ring finger protein 31; plus strand). Cytogenetic location: 14q12.
Variant type: single nucleotide variant.
Coding change: c.578A>G on transcript NM_017999.5 (MANE Select); coding-DNA position 578, A replaced by G.
Protein change: p.Asp193Gly; replaces aspartic acid 193 with glycine.
Molecular consequence: missense variant.
Genome position (GRCh38, 1-based): chr14:24,148,823, A>G. VCF-style: chr14-24148823-A-G. GRCh37 (hg19) VCF-style: chr14-24618032-A-G.
Other names: c.125A>G, p.Asp42Gly (NM_001310332.2); short protein forms D42G, D193G.
Identifiers: ClinVar variation 3687484 (VCV003687484.2).